The following is an entry in ClinVar:

ClinVar aggregate classification (germline): Conflicting classifications of pathogenicity. Review status: criteria provided, conflicting classifications (1 of 4 stars). 4 submissions from 4 submitters: Uncertain significance (1); Likely benign (2). 1 of the submissions does not count toward it. Last evaluated 2025-09-08.

Conditions:
Inborn genetic diseases. Identifiers: MedGen C0950123, MeSH D030342.
RARS1-related disorder. Also called: RARS1-related condition.

Allele frequency attached by ClinVar (database versions not stated): gnomAD exomes 0.00018 and 0.00048; gnomAD 0.00021 and 0.00022; TOPMed 0.00024; ExAC 0.00031.
gnomAD v4.1: 314 of 1,614,046 alleles (0.019%); highest among the groups gnomAD compares: Admixed American, 0.11%; no homozygotes.

Submissions (4):

Labcorp Genetics (formerly Invitae), Labcorp
Classification: Likely benign. Last evaluated: 2025-09-08. Review status: criteria provided, single submitter. Criteria: Invitae Variant Classification Sherloc (09022015). Collection method: clinical testing. Allele origin: germline.

GeneDx
Classification: Uncertain significance. Last evaluated: 2025-03-26. Review status: criteria provided, single submitter. Criteria: GeneDx Variant Classification Process June 2021. Collection method: clinical testing. Allele origin: germline. Affected: yes.
Comment: In silico analysis supports that this missense variant has a deleterious effect on protein structure/function; Has not been previously published as pathogenic or benign to our knowledge

Ambry Genetics
Classification: Likely benign for Inborn genetic diseases. Last evaluated: 2022-04-14. Review status: criteria provided, single submitter. Criteria: Ambry Variant Classification Scheme 2023. Collection method: clinical testing. Allele origin: germline.

PreventionGenetics, part of Exact Sciences
Classification: Likely benign for RARS1-related condition. Last evaluated: 2019-05-10. Review status: no assertion criteria provided. Collection method: clinical testing. Allele origin: germline. Not counted in ClinVar's aggregate classification.
Comment: This variant is classified as likely benign based on ACMG/AMP sequence variant interpretation guidelines (Richards et al. 2015 PMID: 25741868, with internal and published modifications).

NM_002887.4(RARS1):c.1465G>A (p.Glu489Lys)

Gene: RARS1 (arginyl-tRNA synthetase 1; plus strand). Cytogenetic location: 5q34.
Variant type: single nucleotide variant.
Coding change: c.1465G>A on transcript NM_002887.4 (MANE Select); coding-DNA position 1465, G replaced by A.
Protein change: p.Glu489Lys; replaces glutamic acid 489 with lysine.
Molecular consequence: missense variant.
Genome position (GRCh38, 1-based): chr5:168,516,790, G>A. VCF-style: chr5-168516790-G-A. GRCh37 (hg19) VCF-style: chr5-167943795-G-A.
Other names: short protein forms E489K.
Identifiers: ClinVar variation 1680436 (VCV001680436.13), dbSNP rs11557638, ClinGen allele CA3549940.